The following is an entry in ClinVar:

ClinVar aggregate classification (germline): Uncertain significance. Review status: criteria provided, multiple submitters, no conflicts (2 of 4 stars). 3 submissions from 3 submitters: Uncertain significance (3). Last evaluated 2026-07-13.

Conditions:
GNE myopathy (NM). Also called: NONAKA DISTAL MYOPATHY; INCLUSION BODY MYOPATHY, HEREDITARY, AUTOSOMAL RECESSIVE; INCLUSION BODY MYOPATHY 2, AUTOSOMAL RECESSIVE; MYOPATHY, DISTAL, WITH OR WITHOUT RIMMED VACUOLES; IBM 2; Inclusion body myopathy autosomal recessive. Identifiers: Orphanet 602, MedGen C1853926, MONDO:0011603, OMIM 605820.
Sialuria. Also called: SIALURIA, FRENCH TYPE; Sialic Acid Storage Disease. Identifiers: Orphanet 3166, MedGen C0342853, MONDO:0010028, OMIM 269921.

Allele frequency attached by ClinVar (database versions not stated): TOPMed 0.00001.

Submissions (3):

Myriad Genetics, Inc.
Classification: Uncertain significance for GNE myopathy. Last evaluated: 2026-07-13. Review status: criteria provided, single submitter. Criteria: Myriad Autosomal Dominant, Autosomal Recessive and X-Linked Classification Criteria (2023). Collection method: clinical testing. Allele origin: unknown.
Comment: NM_001128227.2(GNE):c.1227T>A(D409E) is a missense variant classified as a variant of uncertain significance in the context of GNE myopathy. D409E has been observed in a case with relevant disease (PMID: 39332896). Relevant functional assessments of this variant are not available in the literature. D409E has not been observed in referenced population frequency databases. In summary, there is insufficient evidence to classify NM_001128227.2(GNE):c.1227T>A(D409E) as pathogenic or benign. Please note: this variant was assessed in the context of healthy population screening.

Labcorp Genetics (formerly Invitae), Labcorp
Classification: Uncertain significance for Sialuria; GNE myopathy. Last evaluated: 2024-12-07. Review status: criteria provided, single submitter. Criteria: Invitae Variant Classification Sherloc (09022015). Collection method: clinical testing. Allele origin: germline.
Comment: This sequence change replaces aspartic acid, which is acidic and polar, with glutamic acid, which is acidic and polar, at codon 409 of the GNE protein (p.Asp409Glu). This variant is not present in population databases (gnomAD no frequency). This variant has not been reported in the literature in individuals affected with GNE-related conditions. ClinVar contains an entry for this variant (Variation ID: 2432209). Invitae Evidence Modeling of protein sequence and biophysical properties (such as structural, functional, and spatial information, amino acid conservation, physicochemical variation, residue mobility, and thermodynamic stability) has been performed for this missense variant. However, the output from this modeling did not meet the statistical confidence thresholds required to predict the impact of this variant on GNE protein function. This variant disrupts the p.Asp409 amino acid residue in GNE. Other variant(s) that disrupt this residue have been determined to be pathogenic (PMID: 12473753, 12497639, 14707127, 16503651, 24695763). This suggests that this residue is clinically significant, and that variants that disrupt this residue are likely to be disease-causing. In summary, the available evidence is currently insufficient to determine the role of this variant in disease. Therefore, it has been classified as a Variant of Uncertain Significance.

Revvity Omics, Revvity
Classification: Uncertain significance. Last evaluated: 2019-04-10. Review status: criteria provided, single submitter. Criteria: ACMG Guidelines, 2015. Collection method: clinical testing. Allele origin: germline.

Literature cited by the submitters: PubMed 39332896 (cited by Myriad Genetics, Inc.); PubMed 12473753 (cited by Labcorp Genetics (formerly Invitae), Labcorp); PubMed 12497639 (cited by Labcorp Genetics (formerly Invitae), Labcorp); PubMed 14707127 (cited by Labcorp Genetics (formerly Invitae), Labcorp); PubMed 16503651 (cited by Labcorp Genetics (formerly Invitae), Labcorp); PubMed 24695763 (cited by Labcorp Genetics (formerly Invitae), Labcorp).

NM_005476.7(GNE):c.1134T>A (p.Asp378Glu)

Gene: GNE (glucosamine (UDP-N-acetyl)-2-epimerase/N-acetylmannosamine kinase; minus strand). Cytogenetic location: 9p13.3.
Variant type: single nucleotide variant.
Coding change: c.1134T>A on transcript NM_005476.7 (MANE Select); coding-DNA position 1134, T replaced by A.
Protein change: p.Asp378Glu; replaces aspartic acid 378 with glutamic acid.
Molecular consequence: missense variant.
Genome position (GRCh38, 1-based): chr9:36,227,395, A>T on the plus strand (T>A on the coding strand, the complement: GNE is on the minus strand). VCF-style: chr9-36227395-A-T. GRCh37 (hg19) VCF-style: chr9-36227392-A-T.
Other names: c.1227T>A, p.Asp409Glu (NM_001128227.3); c.1134T>A, p.Asp378Glu (NM_001190383.3); c.804T>A, p.Asp268Glu (NM_001190384.3); c.957T>A, p.Asp319Glu (NM_001190388.2, NM_001374798.1); c.981T>A, p.Asp327Glu (NM_001374797.1); short protein forms D268E, D319E, D327E, D378E, D409E.
Identifiers: ClinVar variation 2432209 (VCV002432209.6), dbSNP rs1828922236, ClinGen allele CA373428985.